The following is an entry in ClinVar:

NM_000179.3(MSH6):c.255C>T (p.Pro85=)

Genes: MSH6 (mutS homolog 6; plus strand), LOC129933707 (ATAC-STARR-seq lymphoblastoid silent region 11468; plus strand). Cytogenetic location: 2p16.3.
Variant type: single nucleotide variant.
Coding change: c.255C>T on transcript NM_000179.3 (MANE Select); coding-DNA position 255, C replaced by T.
Protein change: p.Pro85=; no amino-acid change (proline 85 retained).
Molecular consequence: synonymous variant. On other transcripts: 5 prime UTR variant (1), intron variant (1).
Genome position (GRCh38, 1-based): chr2:47,783,488, C>T. VCF-style: chr2-47783488-C-T. GRCh37 (hg19) VCF-style: chr2-48010627-C-T.
Other names: c.-482C>T (NM_001281493.2); c.237+18C>T (NM_001281492.2).
Identifiers: ClinVar variation 416139 (VCV000416139.14), dbSNP rs587779242, ClinGen allele CA16611085.
Genomic context (GRCh38, chr2:47,783,488, plus strand): 5'-ACCGCCCAAGGCGAAGAACCTCAACGGAGGGCTGCGGAGATCGGTAGCGCCTGCTGCCCC[C>T]ACCAGGTAGCGGGGTGGGGGTGGGGTCGAAGGCGGGGGCATAGCGGCGGGGCGCTTGGAA-3'
Protein context (NP_000170.1, residues 75-95): GLRRSVAPAA[Pro85=]TSCDFSPGDL

ClinVar aggregate classification (germline): Benign/Likely benign. Review status: criteria provided, multiple submitters, no conflicts (2 of 4 stars). 3 submissions from 3 submitters: Benign (1); Likely benign (2). Last evaluated 2025-02-05.

Conditions:
Hereditary nonpolyposis colorectal neoplasms. Identifiers: MedGen C0009405, MeSH D003123.
Lynch syndrome 5 (LYNCH5). Also called: Colorectal cancer, hereditary nonpolyposis, type 5; Hereditary non-polyposis colorectal cancer, type 5. Identifiers: Orphanet 144, MedGen C1833477, MONDO:0013710, OMIM 614350. Disease mechanism: loss of function.
Hereditary cancer-predisposing syndrome. Also called: Tumor predisposition; Neoplastic Syndromes, Hereditary; Hereditary neoplastic syndrome; Hereditary Cancer Syndrome. Identifiers: Orphanet 140162, MedGen C0027672, MeSH D009386, MONDO:0015356.

Allele frequency attached by ClinVar (database versions not stated): TOPMed 0.00001.
gnomAD v4.1: 4 of 1,427,284 alleles (0.00028%); highest among the groups gnomAD compares: African/African-American, 0.0015%; no homozygotes.

Submissions (3):

Ambry Genetics
Classification: Likely benign for Hereditary cancer-predisposing syndrome. Last evaluated: 2025-02-05. Review status: criteria provided, single submitter. Criteria: Ambry Variant Classification Scheme 2023. Collection method: clinical testing. Allele origin: germline.

Myriad Genetics, Inc.
Classification: Benign for Lynch syndrome 5. Last evaluated: 2024-12-17. Review status: criteria provided, single submitter. Criteria: Myriad Autosomal Dominant, Autosomal Recessive and X-Linked Classification Criteria (2023). Collection method: clinical testing. Allele origin: unknown.
Comment: This variant is considered benign. This variant is a silent/synonymous amino acid change and it is not expected to impact splicing.

Labcorp Genetics (formerly Invitae), Labcorp
Classification: Likely benign for Hereditary nonpolyposis colorectal neoplasms. Last evaluated: 2023-08-14. Review status: criteria provided, single submitter. Criteria: Invitae Variant Classification Sherloc (09022015). Collection method: clinical testing. Allele origin: germline.